The following is an entry in ClinVar:

NM_052867.4(NALCN):c.1561T>C (p.Ser521Pro)

Gene: NALCN (sodium leak channel, non-selective; minus strand). Cytogenetic location: 13q33.1.
Variant type: single nucleotide variant.
Coding change: c.1561T>C on transcript NM_052867.4 (MANE Select); coding-DNA position 1561, T replaced by C.
Protein change: p.Ser521Pro; replaces serine 521 with proline.
Molecular consequence: missense variant.
Genome position (GRCh38, 1-based): chr13:101,229,458, A>G on the plus strand (T>C on the coding strand, the complement: NALCN is on the minus strand). VCF-style: chr13-101229458-A-G. GRCh37 (hg19) VCF-style: chr13-101881809-A-G.
Other names: c.1561T>C, p.Ser521Pro (NM_001350748.2, NM_001350749.2); c.1474T>C, p.Ser492Pro (NM_001350750.2, NM_001350751.2); short protein forms S492P, S521P.
Identifiers: ClinVar variation 4742877 (VCV004742877.1).

ClinVar aggregate classification (germline): Uncertain significance (1 of 4 stars; one submission).

Submission:

Labcorp Genetics (formerly Invitae), Labcorp
Classification: Uncertain significance. Last evaluated: 2025-08-15. Review status: criteria provided, single submitter. Criteria: Invitae Variant Classification Sherloc (09022015). Collection method: clinical testing. Allele origin: germline.
Comment: This sequence change replaces serine, which is neutral and polar, with proline, which is neutral and non-polar, at codon 521 of the NALCN protein (p.Ser521Pro). This variant is not present in population databases (gnomAD no frequency). This variant has not been reported in the literature in individuals affected with NALCN-related conditions. Invitae Evidence Modeling of protein sequence and biophysical properties (such as structural, functional, and spatial information, amino acid conservation, physicochemical variation, residue mobility, and thermodynamic stability) indicates that this missense variant is expected to disrupt NALCN protein function with a positive predictive value of 80%. In summary, the available evidence is currently insufficient to determine the role of this variant in disease. Therefore, it has been classified as a Variant of Uncertain Significance.